The following is an entry in ClinVar:

ClinVar aggregate classification (germline): Uncertain significance (1 of 4 stars; one submission).

Conditions:
Cardiovascular phenotype. Identifiers: MedGen CN230736.

gnomAD v4.1: 6 of 1,614,038 alleles (0.00037%); highest among the groups gnomAD compares: African/African-American, 0.008%; no homozygotes.

Submission:

Ambry Genetics
Classification: Uncertain significance for Cardiovascular phenotype. Last evaluated: 2026-05-13. Review status: criteria provided, single submitter. Criteria: Ambry Variant Classification Scheme 2023. Collection method: clinical testing. Allele origin: germline.
Comment: The c.599C>A (p.A200E) alteration is located in exon 6 (coding exon 5) of the TBX5 gene. This alteration results from a C to A substitution at nucleotide position 599, causing the alanine (A) at amino acid position 200 to be replaced by a glutamic acid (E). Based on data from gnomAD, the A allele has an overall frequency of 0.001% (3/282882) total alleles studied. The highest observed frequency was 0.012% (3/24962) of African alleles. Based on insufficient or conflicting evidence, the clinical significance of this alteration remains unclear.

NM_181486.4(TBX5):c.599C>A (p.Ala200Glu)

Gene: TBX5 (T-box transcription factor 5; minus strand). Cytogenetic location: 12q24.21.
Variant type: single nucleotide variant.
Coding change: c.599C>A on transcript NM_181486.4 (MANE Select); coding-DNA position 599, C replaced by A.
Protein change: p.Ala200Glu; replaces alanine 200 with glutamic acid.
Molecular consequence: missense variant.
Genome position (GRCh38, 1-based): chr12:114,394,805, G>T on the plus strand (C>A on the coding strand, the complement: TBX5 is on the minus strand). VCF-style: chr12-114394805-G-T. GRCh37 (hg19) VCF-style: chr12-114832610-G-T.
Other names: c.599C>A, p.Ala200Glu (NM_000192.3); c.449C>A, p.Ala150Glu (NM_080717.4); short protein forms A150E, A200E.
Identifiers: ClinVar variation 4865367 (VCV004865367.1).